The following continues an entry in ClinVar:

NM_000059.4(BRCA2):c.4936_4939del (p.Glu1646fs)

Gene: BRCA2. ClinVar aggregate classification (germline): Pathogenic. Pathogenic (1).

Submissions 9 to 19 of 29:

ARUP Laboratories, Molecular Genetics and Genomics, ARUP Laboratories
Classification: Pathogenic. Last evaluated: 2025-02-20. Review status: criteria provided, single submitter. Criteria: ARUP Molecular Germline Variant Investigation Process 2024. Collection method: clinical testing. Allele origin: germline. Not counted in ClinVar's aggregate classification.
Comment: The BRCA2 c.4936_4939delGAAA; p.Glu1646GlnfsTer23 variant (rs80359473, also known as 5164del4), is reported in the literature in multiple individuals affected with hereditary breast and ovarian cancer and Fanconi anemia (de Juan 2015, de Juan Jimenez 2013, Esteban Cardenosa 2010, Gabaldo Barrios 2017, Infante 2006, Labidi-Galy 2018, Rummel 2017, Schayek 2018, Wagner 2004). This variant is reported as pathogenic by multiple laboratories in ClinVar (Variation ID: 37935) and is absent from the Genome Aggregation Database, indicating it is not a common polymorphism. This variant causes a frameshift by deleting 4 nucleotides, so it is predicted to result in a truncated protein or mRNA subject to nonsense-mediated decay. Based on available information, this variant is considered to be pathogenic. References: de Juan I et al. BRCA1 and BRCA2 mutations in males with familial breast and ovarian cancer syndrome. Results of a Spanish multicenter study. Fam Cancer. 2015 Dec;14(4):505-13. de Juan Jimenez I et al. Novel and recurrent BRCA1/BRCA2 mutations in early onset and familial breast and ovarian cancer detected in the Program of Genetic Counseling in Cancer of Valencian Community (eastern Spain). Relationship of family phenotypes with mutation prevalence. Fam Cancer. 2013 Dec;12(4):767-77. Esteban Cardenosa E et al. Broad BRCA1 and BRCA2 mutational spectrum and high incidence of recurrent and novel mutations in the eastern Spain population. Breast Cancer Res Treat. 2010 May;121(1):257-60. Gabaldo Barrios X et al. Molecular characterization and clinical interpretation of BRCA1/BRCA2 variants in families from Murcia (south-eastern Spain) with hereditary breast and ovarian cancer: clinical-pathological features in BRCA carriers and non-carriers. Fam Cancer. 2017 Oct;16(4):477-489. Infante M et al. High proportion of novel mutations of BRCA1 and BRCA2 in breast/ovarian cancer patients from Castilla-LeÃ³n (central Spain). J Hum Genet. 2006;51(7):611-7. Labidi-Galy SI et al. Location of Mutation in BRCA2 Gene and Survival in Patients with Ovarian Cancer. Clin Cancer Res. 2018 Jan 15;24(2):326-333. Rummel SK et al. Contribution of germline mutations in cancer predisposition genes to tumor etiology in young women diagnosed with invasive breast cancer. Breast Cancer Res Treat. 2017 Aug;164(3):593-601. Schayek H et al. Mutational analysis of candidate genes in Israeli male breast cancer cases. Breast Cancer Res Treat. 2018 Jul;170(2):399-404. Wagner JE et al. Germline mutations in BRCA2: shared genetic susceptibility to breast cancer, early onset leukemia, and Fanconi anemia. Blood. 2004 Apr 15;103(8):3226-9.

Revvity Omics, Revvity
Classification: Pathogenic. Last evaluated: 2024-10-23. Review status: criteria provided, single submitter. Criteria: ACMG Guidelines, 2015. Collection method: clinical testing. Allele origin: germline. Not counted in ClinVar's aggregate classification.

Baylor Genetics
Classification: Pathogenic for Familial cancer of breast. Last evaluated: 2024-03-30. Review status: criteria provided, single submitter. Criteria: ACMG Guidelines, 2015. Collection method: clinical testing. Allele origin: unknown. Not counted in ClinVar's aggregate classification.

All of Us Research Program, National Institutes of Health
Classification: Pathogenic for Breast-ovarian cancer, familial, susceptibility to, 2. Last evaluated: 2023-10-23. Review status: criteria provided, single submitter. Criteria: ACMG Guidelines, 2015. Collection method: clinical testing. Allele origin: germline. Inheritance: Autosomal dominant inheritance. Observed: 2 variant alleles, 2 heterozygotes. Not counted in ClinVar's aggregate classification.
Comment: This variant deletes 4 nucleotides in exon 11 of the BRCA2 gene, creating a frameshift and premature translation stop signal. This variant is expected to result in an absent or non-functional protein product. This variant has been reported in at least 10 heterozygous individuals affected with breast and ovarian cancer (PMID: 16030099, 17020472, 20104584, 21553119, 23479189, 26026974, 28503720, 29084914, 29560538, 33471991; Leiden Open Variation Database DB-ID BRCA2_001062, 34290354, 34645131, 34933735, Color internal data) and 3 individuals affected with pancreatic cancer (PMID: 30274973, Color internal data). This variant also has been observed in compound heterozygous state with a known pathogenic BRCA2 mutation in individuals affected with the recessive disease, Fanconi anemia (PMID: 15070707). This variant has not been identified in the general population by the Genome Aggregation Database (gnomAD). Loss of BRCA2 function is a known mechanism of disease. Based on the available evidence, this variant is classified as Pathogenic.

This study involves interpretation of variants in research participants for the purpose of population health screening. Participant phenotype was not available at the time of variant classification. Additional details can be found in publication PMID: 35346344, PMCID: PMC8962531

Sema4
Classification: Pathogenic for Hereditary cancer-predisposing syndrome. Last evaluated: 2021-08-05. Review status: criteria provided, single submitter. Criteria: Sema4 Curation Guidelines. Collection method: curation. Allele origin: germline. Not counted in ClinVar's aggregate classification.
Comment: The BRCA2 c.4936_4939delGAAA (p.E1646QfsX23) variant has been reported in at least 6 individuals/families with Fanconi anemia, and breast cancer (including male breast cancer) (PMID: 15070707, 17020472, 23479189, 28503720, 30720863, 26026974 ). This variant, also known as 5164del4 in the literature, causes a frameshift at amino acid 1646 that results in premature termination 23 amino acids downstream. At this location, this is predicted to cause nonsense-mediated decay and result in an absent protein (loss of function). Loss of function variants in BRCA2 are known to be pathogenic (PMID: 29446198). This variant is not reported in the population database Genome Aggregation Database (PMID: 32461654). The variant has been reported in ClinVar (Variation ID: 37935). Based on the current evidence available, this variant is interpreted as pathogenic.

GeneKor MSA
Classification: Pathogenic for Hereditary breast ovarian cancer syndrome. Last evaluated: 2021-01-09. Review status: criteria provided, single submitter. Criteria: ACMG Guidelines, 2015. Collection method: clinical testing. Allele origin: germline. Affected: no. Not counted in ClinVar's aggregate classification.
Comment: This sequence change deletes 4 bases from exon 11 of the BRCA2 mRNA (c.4936_4939delGAAA), causing a frameshift after codon 1646. This creates a premature translational stop signal 23 amino acid residues later (p.(Glu1646Glnfs*23) and is expected to result in an absent or disrupted protein product. Truncating variants in BRCA2 are known to be pathogenic. This particular variant is also known in the literature as c.4933_4936delAAAG and 5164del4 and has been described in the literature in families with breast and/or ovarian cancer and Fanconi anemia (PMID: 23479189, 22923021, 15070707,31159747). The mutation database Clinvar contains entries for this variant (Variation ID:37935).

Department of Pathology and Laboratory Medicine, Sinai Health System
Classification: Pathogenic for BRCA2-related cancer predisposition. Last evaluated: 2020-10-07. Review status: criteria provided, single submitter. Criteria: ACMG Guidelines, 2015. Collection method: clinical testing. Allele origin: germline. Affected: yes. Not counted in ClinVar's aggregate classification.

Department of Molecular Diagnostics, Institute of Oncology Ljubljana
Classification: Pathogenic for Breast-ovarian cancer, familial, susceptibility to, 1. Last evaluated: 2020-04-02. Review status: criteria provided, single submitter. Criteria: ACMG Guidelines, 2015. Collection method: clinical testing. Allele origin: germline. Affected: yes. Not counted in ClinVar's aggregate classification.

GeneDx
Classification: Pathogenic. Last evaluated: 2019-11-29. Review status: criteria provided, single submitter. Criteria: GeneDx Variant Classification Process June 2021. Collection method: clinical testing. Allele origin: germline. Affected: yes. Not counted in ClinVar's aggregate classification.
Comment: Frameshift variant predicted to result in protein truncation or nonsense mediated decay in a gene for which loss-of-function is a known mechanism of disease; Observed with a pathogenic BRCA2 variant on the opposite allele (in trans) in siblings with Fanconi anemia (Wagner 2004); Not observed in large population cohorts (Lek 2016); Truncating variants in this gene are considered pathogenic by a well-established clinical consortium and/or database; Observed in individuals with BRCA2-related cancers (Kaufman 2006, Stegel 2011, Novakovic 2012, de Juan Jimenez 2013, de Juan 2015, Hoberg-Vetti 2015, Bunnell 2016, Bannon 2018); Also known as c.5164del4; This variant is associated with the following publications: (PMID: 24301060, 22430266, 27276934, 28127413, 30274973, 30293905, 21232165, 23479189, 15070707, 22923021, 26350514, 15689453, 26026974, 26656232, 20104584, 26681312, 16758124, 20033483, 16825431, 17020472, 27741520, 27160020, 28503720, 28637432, 29560538, 28477318, 29084914, 28152038, 29086229, 30014164, 30755392, 30720863, 30322717, 31159747)

Women's Health and Genetics/Laboratory Corporation of America, LabCorp
Classification: Pathogenic for Hereditary breast and ovarian cancer syndrome. Last evaluated: 2019-01-03. Review status: criteria provided, single submitter. Criteria: LabCorp Variant Classification Summary - May 2015. Collection method: clinical testing. Allele origin: germline. Not counted in ClinVar's aggregate classification.
Comment: Variant summary: BRCA2 c.4936_4939delGAAA (p.Glu1646GlnfsX23) results in a premature termination codon, predicted to cause a truncation of the encoded protein or absence of the protein due to nonsense mediated decay, which are commonly known mechanisms for disease. The variant was absent in 238878 control chromosomes (gnomAD). c.4936_4939delGAAA has been reported in the literature in multiple individuals affected with Hereditary Breast and Ovarian Cancer (Finkelman_2012, Infante_2006, Kaufman_2006, Krajc_2008, Borg_2010, Beristain_2010, de Juan Jimenez_2012, Novakovic_2012). These data indicate that the variant is very likely to be associated with disease. To our knowledge, no experimental evidence demonstrating an impact on protein function has been reported. Fourteen ClinVar submissions from other clinical diagnostic laboratories (evaluation after 2014) cite the variant as pathogenic. Based on the evidence outlined above, the variant was classified as pathogenic.

Center for Personalized Medicine, Children's Hospital Los Angeles
Classification: Pathogenic. Last evaluated: 2018-11-19. Review status: criteria provided, single submitter. Criteria: ACMG Guidelines, 2015. Collection method: clinical testing. Allele origin: germline. Affected: yes. Not counted in ClinVar's aggregate classification.